The following is an entry in ClinVar:

ClinVar aggregate classification (germline): Uncertain significance (1 of 4 stars; one submission).

Conditions:
Hyperaldosteronism, familial, type IV (HALD4). Also called: FH IV; ALDOSTERONISM, PRIMARY, AND HYPERTENSION. Identifiers: Orphanet 642671, MedGen C4310756, MONDO:0014875, OMIM 617027.
Idiopathic generalized epilepsy. Also called: Generalised epilepsy; EIG. Identifiers: MedGen C0270850, MONDO:0005579, OMIM 600669.

Allele frequency attached by ClinVar (database versions not stated): gnomAD 0.00001; gnomAD exomes 0.00001; TOPMed 0.00001; ExAC 0.00004.
gnomAD v4.1: 7 of 1,605,190 alleles (0.00044%); highest among the groups gnomAD compares: Non-Finnish European, 0.0006%; no homozygotes.

Submission:

Labcorp Genetics (formerly Invitae), Labcorp
Classification: Uncertain significance for Idiopathic generalized epilepsy; Hyperaldosteronism, familial, type IV. Last evaluated: 2022-02-03. Review status: criteria provided, single submitter. Criteria: Invitae Variant Classification Sherloc (09022015). Collection method: clinical testing. Allele origin: germline.
Comment: In summary, the available evidence is currently insufficient to determine the role of this variant in disease. Therefore, it has been classified as a Variant of Uncertain Significance. Algorithms developed to predict the effect of missense changes on protein structure and function (SIFT, PolyPhen-2, Align-GVGD) all suggest that this variant is likely to be disruptive. ClinVar contains an entry for this variant (Variation ID: 1026577). This variant has not been reported in the literature in individuals affected with CACNA1H-related conditions. The frequency data for this variant in the population databases is considered unreliable, as metrics indicate poor data quality at this position in the gnomAD database. This sequence change replaces phenylalanine, which is neutral and non-polar, with serine, which is neutral and polar, at codon 1756 of the CACNA1H protein (p.Phe1756Ser).

NM_021098.3(CACNA1H):c.5267T>C (p.Phe1756Ser)

Gene: CACNA1H (calcium voltage-gated channel subunit alpha1 H; plus strand). Cytogenetic location: 16p13.3.
Variant type: single nucleotide variant.
Coding change: c.5267T>C on transcript NM_021098.3 (MANE Select); coding-DNA position 5267, T replaced by C.
Protein change: p.Phe1756Ser; replaces phenylalanine 1756 with serine.
Molecular consequence: missense variant.
Genome position (GRCh38, 1-based): chr16:1,216,954, T>C. VCF-style: chr16-1216954-T-C. GRCh37 (hg19) VCF-style: chr16-1266954-T-C.
Other names: c.5249T>C, p.Phe1750Ser (NM_001005407.2); short protein forms F1750S, F1756S.
Identifiers: ClinVar variation 1026577 (VCV001026577.10), dbSNP rs767973097, ClinGen allele CA7801933.